The following is an entry in ClinVar:

NM_032776.3(JMJD1C):c.1331AAG[1] (p.Glu445del)

Gene: JMJD1C (jumonji domain containing 1C; minus strand). Cytogenetic location: 10q21.3.
Variant type: Microsatellite.
Coding change: c.1331AAG[1] on transcript NM_032776.3 (MANE Select); one copy of the 3-base unit AAG starting at c.1331; the reference has two copies in a row; one copy, 3 bases deleted.
Protein change: p.Glu445del; deletes glutamic acid 445.
Molecular consequence: inframe deletion. On other transcripts: non-coding transcript variant (1).
Genome position (GRCh38, 1-based): chr10:63,214,831-63,214,833, CTT deleted on the plus strand (AAG on the coding strand, the reverse complement: JMJD1C is on the minus strand); deleting any 3 consecutive bases within chr10:63,214,831-63,214,837 gives the same sequence; the position shown is the placement nearest the transcript's 3' end. VCF-style (leftmost placement, unchanged base first): chr10-63214830-GCTT-G. GRCh37 (hg19) VCF-style: chr10-64974590-GCTT-G.
Other names: c.785AAG[1], p.Glu263del (NM_001282948.2, NM_001318154.2); c.467AAG[1], p.Glu157del (NM_001318153.2); c.1217AAG[1], p.Glu407del (NM_001322252.2); c.674AAG[1], p.Glu226del (NM_001322254.2, NM_001322258.2); short protein forms E157del, E226del, E263del, E407del, E445del.
Identifiers: ClinVar variation 1060123 (VCV001060123.9), dbSNP rs1353410484, ClinGen allele CA594255211.

ClinVar aggregate classification (germline): Uncertain significance (1 of 4 stars; one submission).

Conditions:
Early Myoclonic Encephalopathy. Identifiers: MedGen C0270855.

Submission:

Labcorp Genetics (formerly Invitae), Labcorp
Classification: Uncertain significance for Early Myoclonic Encephalopathy. Last evaluated: 2022-03-19. Review status: criteria provided, single submitter. Criteria: Invitae Variant Classification Sherloc (09022015). Collection method: clinical testing. Allele origin: germline.
Comment: In summary, the available evidence is currently insufficient to determine the role of this variant in disease. Therefore, it has been classified as a Variant of Uncertain Significance. This variant has not been reported in the literature in individuals affected with JMJD1C-related conditions. Experimental studies and prediction algorithms are not available or were not evaluated, and the functional significance of this variant is currently unknown. This variant, c.1334_1336del, results in the deletion of 1 amino acid(s) of the JMJD1C protein (p.Glu445del), but otherwise preserves the integrity of the reading frame. This variant is present in population databases (no rsID available, gnomAD 0.002%).